The following is an entry in ClinVar:

ClinVar aggregate classification (germline): Conflicting classifications of pathogenicity. Review status: criteria provided, conflicting classifications (1 of 4 stars). 3 submissions from 3 submitters: Uncertain significance (1); Likely benign (1). 1 of the submissions does not count toward it. Last evaluated 2022-08-22.

Conditions:
FBXL4-related disorder. Also called: FBXL4-related condition.
Mitochondrial DNA depletion syndrome 13. Also called: FBXL4-Related Encephalomyopathic Mitochondrial DNA Depletion Syndrome; Mitochondrial DNA depletion syndrome 13 (encephalomyopathic type). Identifiers: Orphanet 369897, MedGen C3809592, MONDO:0014198, OMIM 615471.

Allele frequency attached by ClinVar (database versions not stated): gnomAD exomes 0.00005 and 0.00001; ExAC 0.00002; TOPMed 0.00002.
gnomAD v4.1: 10 of 1,614,170 alleles (0.00062%); highest among the groups gnomAD compares: East Asian, 0.022%; no homozygotes.

Submissions (3):

Labcorp Genetics (formerly Invitae), Labcorp
Classification: Likely benign. Last evaluated: 2022-08-22. Review status: criteria provided, single submitter. Criteria: Invitae Variant Classification Sherloc (09022015). Collection method: clinical testing. Allele origin: germline.

Wong Mito Lab, Molecular and Human Genetics, Baylor College of Medicine
Classification: Uncertain significance for Mitochondrial DNA depletion syndrome 13. Last evaluated: 2017-08-10. Review status: criteria provided, single submitter. Criteria: ACMG Guidelines, 2015. Collection method: reference population. Allele origin: germline.
Comment: The NM_012160.4:c.48T>C (NP_036292.2:p.Tyr16=) [GRCH38: NC_000006.12:g.98926941A>G] variant in FBXL4 gene is interpretated to be a Uncertain Significance - Conflicting Evidence based on ACMG guidelines (PMID: 25741868). This variant meets one or more of the following evidence codes reported in the ACMG-guideline. PM2:This variant is absent in key population databases. BP4:Computational evidence/predictors indicate no impact on the FBXL4 structure, function, or protein-protein interaction. BP7:The variant is silent with non predicted splice impact. Based on this evidence code ClinGen Pathogenicity Calculator (PMID:28081714) suggested that the variant is Uncertain Significance - Conflicting Evidence.

PreventionGenetics, part of Exact Sciences
Classification: Likely benign for FBXL4-related condition. Last evaluated: 2019-08-08. Review status: no assertion criteria provided. Collection method: clinical testing. Allele origin: germline. Not counted in ClinVar's aggregate classification.
Comment: This variant is classified as likely benign based on ACMG/AMP sequence variant interpretation guidelines (Richards et al. 2015 PMID: 25741868, with internal and published modifications).

NM_001278716.2(FBXL4):c.48T>C (p.Tyr16=)

Gene: FBXL4 (F-box and leucine rich repeat protein 4; minus strand). Cytogenetic location: 6q16.2.
Variant type: single nucleotide variant.
Coding change: c.48T>C on transcript NM_001278716.2 (MANE Select); coding-DNA position 48, T replaced by C.
Protein change: p.Tyr16=; no amino-acid change (tyrosine 16 retained).
Molecular consequence: synonymous variant. On other transcripts: non-coding transcript variant (2).
Genome position (GRCh38, 1-based): chr6:98,926,941, A>G on the plus strand (T>C on the coding strand, the complement: FBXL4 is on the minus strand). VCF-style: chr6-98926941-A-G. GRCh37 (hg19) VCF-style: chr6-99374817-A-G.
Other names: c.48T>C, p.Tyr16= (NM_012160.5).
Identifiers: ClinVar variation 437521 (VCV000437521.7), dbSNP rs748705687, ClinGen allele CA3933755.